The following is an entry in ClinVar:

NM_001374736.1(DST):c.2042G>A (p.Arg681His)

Gene: DST (dystonin; minus strand). Cytogenetic location: 6p12.1.
Variant type: single nucleotide variant.
Coding change: c.2042G>A on transcript NM_001374736.1 (MANE Select); coding-DNA position 2042, G replaced by A.
Protein change: p.Arg681His; replaces arginine 681 with histidine.
Molecular consequence: missense variant.
Genome position (GRCh38, 1-based): chr6:56,640,591, C>T on the plus strand (G>A on the coding strand, the complement: DST is on the minus strand). VCF-style: chr6-56640591-C-T. GRCh37 (hg19) VCF-style: chr6-56505389-C-T.
Other names: c.1943G>A, p.Arg648His (NM_001144769.5); c.1529G>A, p.Arg510His (NM_001144770.2); c.2042G>A, p.Arg681His (NM_001374722.1); c.1409G>A, p.Arg470His (NM_001374729.1, NM_001374730.1, NM_001386100.1 and 1 more transcripts); c.2069G>A, p.Arg690His (NM_001374734.1); c.431G>A, p.Arg144His (NM_001723.7, NM_015548.5); short protein forms R144H, R510H, R470H, R648H, R681H, R690H.
Identifiers: ClinVar variation 357619 (VCV000357619.29), dbSNP rs143101723, ClinGen allele CA3871493.

ClinVar aggregate classification (germline): Conflicting classifications of pathogenicity. Review status: criteria provided, conflicting classifications (1 of 4 stars). 5 submissions from 5 submitters: Uncertain significance (1); Benign (1); Likely benign (2). 1 of the submissions does not count toward it. Last evaluated 2026-01-06.

Conditions:
Hereditary sensory and autonomic neuropathy type 6. Also called: Neuropathy, hereditary sensory and autonomic, type VI; HSAN VI. Identifiers: Orphanet 314381, MedGen C3539003, MONDO:0013839, OMIM 614653.
Epidermolysis bullosa simplex 3, localized or generalized intermediate, with BP230 deficiency (EBS3). Also called: Epidermolysis bullosa simplex due to BP230 deficiency; Epidermolysis bullosa simplex, autosomal recessive 2. Identifiers: Orphanet 412181, MedGen C3809470, MONDO:0014180, OMIM 615425.
DST-related disorder. Also called: DST-related condition; DST-related disorders.
Inborn genetic diseases. Identifiers: MedGen C0950123, MeSH D030342.

Allele frequency attached by ClinVar (database versions not stated): ESP Exome Variant Server 0.00038; ExAC 0.00054; gnomAD 0.00058; gnomAD exomes 0.00073; TOPMed 0.00091; 1000 Genomes Project 30x 0.00094; 1000 Genomes Project 0.00100.
gnomAD v4.1: 646 of 1,614,024 alleles (0.04%); highest among the groups gnomAD compares: Admixed American, 0.068%; 2 homozygotes.

Submissions (5):

Labcorp Genetics (formerly Invitae), Labcorp
Classification: Benign for Epidermolysis bullosa simplex 3, localized or generalized intermediate, with BP230 deficiency; Hereditary sensory and autonomic neuropathy type 6. Last evaluated: 2026-01-06. Review status: criteria provided, single submitter. Criteria: Invitae Variant Classification Sherloc (09022015). Collection method: clinical testing. Allele origin: germline.

CeGaT Center for Human Genetics Tuebingen
Classification: Likely benign. Last evaluated: 2026-01-01. Review status: criteria provided, single submitter. Criteria: CeGaT Center For Human Genetics Tuebingen Variant Classification Criteria Version 2. Collection method: clinical testing. Allele origin: germline. Affected: yes. Observed: 1 variant allele.
Comment: DST: BS1

GeneDx
Classification: Uncertain significance. Last evaluated: 2025-06-06. Review status: criteria provided, single submitter. Criteria: GeneDx Variant Classification Process June 2021. Collection method: clinical testing. Allele origin: germline. Affected: yes.
Comment: In silico analysis supports that this missense variant has a deleterious effect on protein structure/function; Has not been previously published as pathogenic or benign to our knowledge; Reported using the transcript encoding the epithelial isoform of the gene

Ambry Genetics
Classification: Likely benign for Inborn genetic diseases. Last evaluated: 2019-10-01. Review status: criteria provided, single submitter. Criteria: Ambry Variant Classification Scheme 2023. Collection method: clinical testing. Allele origin: germline.

PreventionGenetics, part of Exact Sciences
Classification: Benign for DST-related condition. Last evaluated: 2020-01-13. Review status: no assertion criteria provided. Collection method: clinical testing. Allele origin: germline. Not counted in ClinVar's aggregate classification.
Comment: This variant is classified as benign based on ACMG/AMP sequence variant interpretation guidelines (Richards et al. 2015 PMID: 25741868, with internal and published modifications).